The following is an entry in ClinVar:

NM_014231.5(VAMP1):c.146G>A (p.Arg49His)

Genes: TAPBPL (TAP binding protein like; plus strand), VAMP1 (vesicle associated membrane protein 1; minus strand). Cytogenetic location: 12p13.31.
Variant type: single nucleotide variant.
Coding change: c.146G>A on transcript NM_014231.5 (MANE Select); coding-DNA position 146, G replaced by A.
Protein change: p.Arg49His; replaces arginine 49 with histidine.
Molecular consequence: missense variant. On other transcripts: non-coding transcript variant (1).
Genome position (GRCh38, 1-based): chr12:6,465,984, C>T on the plus strand (G>A on the coding strand, the complement: VAMP1 is on the minus strand). VCF-style: chr12-6465984-C-T. GRCh37 (hg19) VCF-style: chr12-6575150-C-T.
Other names: c.146G>A, p.Arg49His (NM_001297438.2, NM_016830.4, NM_199245.3); short protein forms R49H.
Identifiers: ClinVar variation 2912984 (VCV002912984.3), dbSNP rs754046104, ClinGen allele CA6407695.

ClinVar aggregate classification (germline): Uncertain significance (1 of 4 stars; one submission).

Conditions:
Spastic paraplegia. Identifiers: MedGen C0037772, HP:0001258.

gnomAD v4.1: 46 of 1,614,134 alleles (0.0028%); highest among the groups gnomAD compares: East Asian, 0.067%; no homozygotes.

Submission:

Labcorp Genetics (formerly Invitae), Labcorp
Classification: Uncertain significance for Spastic paraplegia. Last evaluated: 2025-06-12. Review status: criteria provided, single submitter. Criteria: Invitae Variant Classification Sherloc (09022015). Collection method: clinical testing. Allele origin: germline.
Comment: This sequence change replaces arginine, which is basic and polar, with histidine, which is basic and polar, at codon 49 of the VAMP1 protein (p.Arg49His). This variant is present in population databases (rs754046104, gnomAD 0.03%). This missense change has been observed in individual(s) with hereditary spastic paraplegia (PMID: 35499206). ClinVar contains an entry for this variant (Variation ID: 2912984). An algorithm developed to predict the effect of missense changes on protein structure and function (PolyPhen-2) suggests that this variant is likely to be tolerated. In summary, the available evidence is currently insufficient to determine the role of this variant in disease. Therefore, it has been classified as a Variant of Uncertain Significance.

Literature cited by the submitters: PubMed 35499206.